The following is an entry in ClinVar:

NM_000051.4(ATM):c.5850T>A (p.Ala1950=)

Genes: ATM (ATM serine/threonine kinase; plus strand), C11orf65 (chromosome 11 open reading frame 65; minus strand). Cytogenetic location: 11q22.3.
Variant type: single nucleotide variant.
Coding change: c.5850T>A on transcript NM_000051.4 (MANE Select); coding-DNA position 5850, T replaced by A.
Protein change: p.Ala1950=; no amino-acid change (alanine 1950 retained).
Molecular consequence: synonymous variant. On other transcripts: intron variant (2).
Genome position (GRCh38, 1-based): chr11:108,310,247, T>A. VCF-style: chr11-108310247-T-A. GRCh37 (hg19) VCF-style: chr11-108180974-T-A.
Other names: c.5850T>A, p.Ala1950= (NM_001351834.2); c.641-1176A>T (NM_001330368.2); c.*39-1176A>T (NM_001351110.2).
Identifiers: ClinVar variation 3222007 (VCV003222007.2), dbSNP rs2136016086, ClinGen allele CA476675484.
Genomic context (GRCh38, chr11:108,310,247, plus strand): 5'-TGCTTTCTGGCTGGATTTAAATTATCTAGAAGTTGCCAAGGTAGCTCAGTCTTGTGCTGC[T>A]CACTTTACAGCTTTACTCTATGCAGAAATCTATGCAGATAAGAAAAGTATGGATGATCAA-3'
Protein context (NP_000042.3, residues 1940-1960): EVAKVAQSCA[Ala1950=]HFTALLYAEI

ClinVar aggregate classification (germline): Benign/Likely benign. Review status: criteria provided, multiple submitters, no conflicts (2 of 4 stars). 2 submissions from 2 submitters: Benign (1); Likely benign (1). Last evaluated 2024-05-24.

Conditions:
Familial cancer of breast. Also called: hereditary breast carcinoma; BREAST CANCER, FAMILIAL; Hereditary breast cancer. Identifiers: Orphanet 227535, MedGen C0346153, MONDO:0016419, OMIM 114480. Disease mechanism: loss of function.
Hereditary cancer-predisposing syndrome. Also called: Tumor predisposition; Hereditary Cancer Syndrome; Hereditary neoplastic syndrome; Neoplastic Syndromes, Hereditary. Identifiers: Orphanet 140162, MedGen C0027672, MeSH D009386, MONDO:0015356.

Submissions (2):

Myriad Genetics, Inc.
Classification: Benign for Familial cancer of breast. Last evaluated: 2024-05-24. Review status: criteria provided, single submitter. Criteria: Myriad Autosomal Dominant, Autosomal Recessive and X-Linked Classification Criteria (2023). Collection method: clinical testing. Allele origin: unknown.
Comment: This variant is considered benign. This variant is a silent/synonymous amino acid change and it is not expected to impact splicing.

Ambry Genetics
Classification: Likely benign for Hereditary cancer-predisposing syndrome. Last evaluated: 2023-12-07. Review status: criteria provided, single submitter. Criteria: Ambry Variant Classification Scheme 2023. Collection method: clinical testing. Allele origin: germline.